The following is an entry in ClinVar:

ClinVar aggregate classification (germline): Benign/Likely benign. Review status: criteria provided, multiple submitters, no conflicts (2 of 4 stars). 12 submissions from 12 submitters: Benign (5); Likely benign (6). 1 of the submissions does not count toward it. Last evaluated 2026-02-02.

Conditions:
Hereditary pancreatitis (PCTT). Also called: Hereditary chronic pancreatitis; PRSS1-Related Hereditary Pancreatitis. Identifiers: Orphanet 676, MedGen C0238339, MONDO:0008185, OMIM 167800.
Cystic fibrosis (CF). Also called: MUCOVISCIDOSIS. Identifiers: Orphanet 586, MedGen C0010674, MONDO:0009061, OMIM 219700. Disease mechanism: loss of function.

Allele frequency attached by ClinVar (database versions not stated): gnomAD 0.00135 and 0.00138; ESP Exome Variant Server 0.00161; TOPMed 0.00166; 1000 Genomes Project 0.00240; 1000 Genomes Project 30x 0.00312.

Submissions (12):

Labcorp Genetics (formerly Invitae), Labcorp
Classification: Benign for Cystic fibrosis. Last evaluated: 2026-02-02. Review status: criteria provided, single submitter. Criteria: Invitae Variant Classification Sherloc (09022015). Collection method: clinical testing. Allele origin: germline.

Women's Health and Genetics/Laboratory Corporation of America, LabCorp
Classification: Benign. Last evaluated: 2026-01-21. Review status: criteria provided, single submitter. Criteria: LabCorp Variant Classification Summary - May 2015. Collection method: clinical testing. Allele origin: germline.
Comment: Variant summary: CFTR c.4243-5C>T alters a nucleotide located at a position not widely known to affect splicing. Consensus agreement among computation tools predict no significant impact on normal splicing. However, these predictions have yet to be confirmed by functional studies. The variant allele was found at a frequency of 0.0004 in 249978 control chromosomes, predominantly at a frequency of 0.0057 within the African or African-American subpopulation in the gnomAD database. c.4243-5C>T has been observed in individuals with CF and CFTR-related phenotypes without strong evidence for pathogenicity (e.g. Zhou_2013, Brennan_2016, Kharrazi_2015, Pagin_2016, Ratkiewicz_2017). Additionally, in a patient with CFTR-related metabolic syndrome, biallelic pathogenic variants were detected (p.F508del and 5T_TG12; Prach_2013), providing supporting evidence for a benign role. To our knowledge, no experimental evidence demonstrating an impact on protein function has been reported. The following publications have been ascertained in the context of this evaluation (PMID: 25900089, 26574590, 26900683, 23810505, 28194692, 23503723). ClinVar contains an entry for this variant (Variation ID: 256255). Based on the evidence outlined above, the variant was classified as benign.

ARUP Laboratories, Molecular Genetics and Genomics, ARUP Laboratories
Classification: Benign. Last evaluated: 2025-05-28. Review status: criteria provided, single submitter. Criteria: ARUP Molecular Germline Variant Investigation Process 2024. Collection method: clinical testing. Allele origin: germline.

Mayo Clinic Laboratories, Mayo Clinic
Classification: Likely benign. Last evaluated: 2025-05-12. Review status: criteria provided, single submitter. Criteria: ACMG Guidelines, 2015. Collection method: clinical testing. Allele origin: germline. Observed: 8 variant alleles.
Comment: BP4, BP7

Quest Diagnostics Nichols Institute San Juan Capistrano
Classification: Benign. Last evaluated: 2025-04-02. Review status: criteria provided, single submitter. Criteria: Quest Diagnostics criteria. Collection method: clinical testing. Allele origin: unknown.

Blueprint Genetics
Classification: Likely benign. Last evaluated: 2024-07-29. Review status: criteria provided, single submitter. Criteria: ACMG Guidelines, 2015. Collection method: clinical testing. Allele origin: germline.

Sema4
Classification: Likely benign for Hereditary pancreatitis. Last evaluated: 2021-04-30. Review status: criteria provided, single submitter. Criteria: Sema4 Curation Guidelines. Collection method: curation. Allele origin: germline.

Ambry Genetics
Classification: Likely benign for Cystic fibrosis. Last evaluated: 2018-05-07. Review status: criteria provided, single submitter. Criteria: Ambry Variant Classification Scheme 2023. Collection method: clinical testing. Allele origin: germline.

Institute for Genomic Medicine (IGM) Clinical Laboratory, Nationwide Children's Hospital
Classification: Likely benign. Last evaluated: 2017-11-14. Review status: criteria provided, single submitter. Criteria: ACMG Guidelines, 2015. Collection method: clinical testing. Allele origin: germline.
Comment: BP4, BP6; This alteration is predicted to be tolerated by multiple functional prediction tools, and was reported as a benign/likely benign alteration by a reputable source (ClinVar or other correspondence from a clinical testing laboratory).

Eurofins Ntd Llc (ga)
Classification: Benign. Last evaluated: 2015-08-25. Review status: criteria provided, single submitter. Criteria: EGL Classification Definitions 2015. Collection method: clinical testing. Allele origin: germline. Observed: 3 variant alleles, 3 heterozygotes.

PreventionGenetics, part of Exact Sciences
Classification: Likely benign. Review status: criteria provided, single submitter. Criteria: ACMG Guidelines, 2015. Collection method: clinical testing. Allele origin: germline.

Natera, Inc.
Classification: Likely benign for Cystic Fibrosis. Last evaluated: 2020-04-17. Review status: no assertion criteria provided. Collection method: clinical testing. Allele origin: germline. Not counted in ClinVar's aggregate classification.

Literature cited by the submitters: PubMed 23810505 (cited by 5 submitters); PubMed 23503723 (cited by 3 submitters); PubMed 26574590 (cited by Women's Health and Genetics/Laboratory Corporation of America, LabCorp); PubMed 25900089 (cited by 3 submitters); PubMed 28194692 (cited by Women's Health and Genetics/Laboratory Corporation of America, LabCorp and Quest Diagnostics Nichols Institute San Juan Capistrano); PubMed 26900683 (cited by Women's Health and Genetics/Laboratory Corporation of America, LabCorp).

NM_000492.4(CFTR):c.4243-5C>T

Genes: CFTR (CF transmembrane conductance regulator; plus strand), LOC111674477 (CFTR intron 23 enhancer; plus strand). Cytogenetic location: 7q31.2.
Variant type: single nucleotide variant.
Coding change: c.4243-5C>T on transcript NM_000492.4 (MANE Select); 5 bases into the intron before coding-DNA position 4243, C replaced by T.
Molecular consequence: intron variant.
Genome position (GRCh38, 1-based): chr7:117,666,903, C>T. VCF-style: chr7-117666903-C-T. GRCh37 (hg19) VCF-style: chr7-117306957-C-T.
Other names: p.?.
Identifiers: ClinVar variation 256255 (VCV000256255.47), dbSNP rs114402068, ClinGen allele CA4451676.